The following is an entry in ClinVar:

NM_005654.6(NR2F1):c.89_133dup (p.Ala44_Gly45insAlaArgGlyGlyGlyGlyGlyAlaGlyGluGlnGlnGlnGlnAla)

Genes: NR2F1 (nuclear receptor subfamily 2 group F member 1; plus strand), NR2F1-AS1 (NR2F1 regulatory antisense RNA 1; minus strand). Cytogenetic location: 5q15.
Variant type: Duplication.
Coding change: c.89_133dup on transcript NM_005654.6 (MANE Select); coding-DNA positions 89 to 133, 45 bases duplicated.
Protein change: p.Ala44_Gly45insAlaArgGlyGlyGlyGlyGlyAlaGlyGluGlnGlnGlnGlnAla.
Molecular consequence: inframe insertion.
Genome position (GRCh38, 1-based): chr5:93,585,112-93,585,156, 45 bases duplicated; duplicating any 45 consecutive bases within chr5:93,585,104-93,585,156 gives the same sequence; the c. name uses the placement nearest the transcript's 3' end. GRCh37 (hg19): chr5:92,920,818-92,920,862.
Identifiers: ClinVar variation 2119156 (VCV002119156.4), dbSNP rs2480801027, ClinGen allele CA2580073784.

ClinVar aggregate classification (germline): Uncertain significance (1 of 4 stars; one submission).

Submission:

Labcorp Genetics (formerly Invitae), Labcorp
Classification: Uncertain significance. Last evaluated: 2022-07-24. Review status: criteria provided, single submitter. Criteria: Invitae Variant Classification Sherloc (09022015). Collection method: clinical testing. Allele origin: germline.
Comment: This variant has not been reported in the literature in individuals affected with NR2F1-related conditions. In summary, the available evidence is currently insufficient to determine the role of this variant in disease. Therefore, it has been classified as a Variant of Uncertain Significance. The frequency data for this variant in the population databases is considered unreliable, as metrics indicate insufficient coverage at this position in the gnomAD database. This variant, c.89_133dup, results in the insertion of 15 amino acid(s) of the NR2F1 protein (p.Ala30_Ala44dup), but otherwise preserves the integrity of the reading frame.